The following is an entry in ClinVar:

ClinVar aggregate classification (germline): Likely benign. Review status: criteria provided, single submitter (1 of 4 stars). 2 submissions from 2 submitters: Likely benign (1). 1 of the submissions does not count toward it. Last evaluated 2025-12-15.

Conditions:
AKAP9-related disorder. Also called: AKAP9-related condition.
Long QT syndrome (LQTS). Identifiers: MedGen C0023976, MeSH D008133, MONDO:0002442. Disease mechanism: loss of function. Inheritance: Various modes of inheritance.

Submissions (2):

Labcorp Genetics (formerly Invitae), Labcorp
Classification: Likely benign for Long QT syndrome. Last evaluated: 2025-12-15. Review status: criteria provided, single submitter. Criteria: Invitae Variant Classification Sherloc (09022015). Collection method: clinical testing. Allele origin: germline.

PreventionGenetics, part of Exact Sciences
Classification: Likely benign for AKAP9-related condition. Last evaluated: 2024-05-03. Review status: no assertion criteria provided. Collection method: clinical testing. Allele origin: germline. Not counted in ClinVar's aggregate classification.
Comment: This variant is classified as likely benign based on ACMG/AMP sequence variant interpretation guidelines (Richards et al. 2015 PMID: 25741868, with internal and published modifications).

NM_005751.5(AKAP9):c.4693-10A>C

Gene: AKAP9 (A-kinase anchoring protein 9; plus strand). Cytogenetic location: 7q21.2.
Variant type: single nucleotide variant.
Coding change: c.4693-10A>C on transcript NM_005751.5 (MANE Select); 10 bases into the intron before coding-DNA position 4693, A replaced by C.
Molecular consequence: intron variant.
Genome position (GRCh38, 1-based): chr7:92,040,664, A>C. VCF-style: chr7-92040664-A-C. GRCh37 (hg19) VCF-style: chr7-91669978-A-C.
Other names: c.4693-10A>C (NM_147185.3).
Identifiers: ClinVar variation 3350014 (VCV003350014.2).